The following is an entry in ClinVar:

NM_017739.4(POMGNT1):c.1605-9C>T

Genes: POMGNT1 (protein O-linked mannose N-acetylglucosaminyltransferase 1 (beta 1,2-); minus strand), TSPAN1 (tetraspanin 1; plus strand). Cytogenetic location: 1p34.1.
Variant type: single nucleotide variant.
Coding change: c.1605-9C>T on transcript NM_017739.4 (MANE Select); 9 bases into the intron before coding-DNA position 1605, C replaced by T.
Molecular consequence: intron variant.
Genome position (GRCh38, 1-based): chr1:46,190,526, G>A on the plus strand (C>T on the coding strand, the complement: POMGNT1 is on the minus strand). VCF-style: chr1-46190526-G-A. GRCh37 (hg19) VCF-style: chr1-46656198-G-A.
Other names: c.1605-9C>T (NM_001243766.2, NM_001438686.1, NM_001438688.1 and 3 more transcripts); c.1539-9C>T (NM_001290129.3, NM_001438691.1, NM_001438692.1); c.1176-9C>T (NM_001290130.2).
Identifiers: ClinVar variation 783092 (VCV000783092.22), dbSNP rs368345562, ClinGen allele CA833296.

ClinVar aggregate classification (germline): Likely benign. Review status: criteria provided, multiple submitters, no conflicts (2 of 4 stars). 3 submissions from 3 submitters: Likely benign (2). 1 of the submissions does not count toward it. Last evaluated 2026-01-19.

Conditions:
Muscle eye brain disease (MEB). Also called: Santavuori congenital muscular dystrophy. Identifiers: Orphanet 588, Orphanet 899, MedGen C0457133, MONDO:0018939.
Autosomal recessive limb-girdle muscular dystrophy type 2O. Also called: MUSCULAR DYSTROPHY-DYSTROGLYCANOPATHY (LIMB-GIRDLE), TYPE C, 3; MUSCULAR DYSTROPHY-DYSTROGLYCANOPATHY, LIMB-GIRDLE, POMGNT1-RELATED; Limb-Girdle Muscular Dystrophy Type 3C. Identifiers: Orphanet 206564, MedGen C3150417, MONDO:0013161, OMIM 613157.
Muscular dystrophy-dystroglycanopathy (congenital with impaired intellectual development), type B, 3. Also called: Muscular dystrophy-dystroglycanopathy (congenital with intellectual disability), type B3; MUSCULAR DYSTROPHY, CONGENITAL, POMGNT1-RELATED. Identifiers: MedGen C3150412, MONDO:0013155, OMIM 613151.

Allele frequency attached by ClinVar (database versions not stated): TOPMed below 0.00001; gnomAD 0.00001 and 0.00002; gnomAD exomes 0.00004 and 0.00006; ESP Exome Variant Server 0.00008; ExAC 0.00004.
gnomAD v4.1: 53 of 1,602,424 alleles (0.0033%); highest among the groups gnomAD compares: South Asian, 0.055%; no homozygotes.

Submissions (3):

Labcorp Genetics (formerly Invitae), Labcorp
Classification: Likely benign for Autosomal recessive limb-girdle muscular dystrophy type 2O; Muscular dystrophy-dystroglycanopathy (congenital with impaired intellectual development), type B, 3. Last evaluated: 2026-01-19. Review status: criteria provided, single submitter. Criteria: Invitae Variant Classification Sherloc (09022015). Collection method: clinical testing. Allele origin: germline.

CeGaT Center for Human Genetics Tuebingen
Classification: Likely benign. Last evaluated: 2025-05-01. Review status: criteria provided, single submitter. Criteria: CeGaT Center For Human Genetics Tuebingen Variant Classification Criteria Version 2. Collection method: clinical testing. Allele origin: germline. Affected: yes. Observed: 1 variant allele.
Comment: POMGNT1: BP4, BP7

Natera, Inc.
Classification: Likely benign for Muscle-eye-brain disease. Last evaluated: 2021-05-20. Review status: no assertion criteria provided. Collection method: clinical testing. Allele origin: germline. Not counted in ClinVar's aggregate classification.